The following is an entry in ClinVar:

NM_002878.4(RAD51D):c.667+20C>T

Genes: RAD51D (RAD51 paralog D; minus strand), RAD51L3-RFFL (RAD51L3-RFFL readthrough; minus strand). Cytogenetic location: 17q12.
Variant type: single nucleotide variant.
Coding change: c.667+20C>T on transcript NM_002878.4 (MANE Select); 20 bases into the intron after coding-DNA position 667, C replaced by T.
Molecular consequence: intron variant.
Genome position (GRCh38, 1-based): chr17:35,103,434, G>A on the plus strand (C>T on the coding strand, the complement: RAD51D is on the minus strand). VCF-style: chr17-35103434-G-A. GRCh37 (hg19) VCF-style: chr17-33430453-G-A.
Other names: c.331+20C>T (NM_133629.3); c.727+20C>T (NM_001142571.2).
Identifiers: ClinVar variation 380537 (VCV000380537.12), dbSNP rs373473666, ClinGen allele CA8499393.
Genomic context (GRCh38, chr17:35,103,434, plus strand): 5'-GGGGCTGGCCAGAGACCAGACTCCAGAGCTGGGAGGCGAGGTCACATTCCACTGGCCCCA[G>A]GCTCTGCCACATCACTCACCTTCCCTCTGCTGACCTCCCAGAAGTGGGGAAACCACCGCA-3'

ClinVar aggregate classification (germline): Likely benign. Review status: criteria provided, multiple submitters, no conflicts (2 of 4 stars). 5 submissions from 5 submitters: Likely benign (5). Last evaluated 2026-01-21.

Conditions:
Hereditary cancer-predisposing syndrome. Also called: Tumor predisposition; Neoplastic Syndromes, Hereditary; Hereditary neoplastic syndrome; Hereditary Cancer Syndrome. Identifiers: Orphanet 140162, MedGen C0027672, MeSH D009386, MONDO:0015356.
Breast-ovarian cancer, familial, susceptibility to, 4. Identifiers: Orphanet 145, MedGen C3280345, MONDO:0013669, OMIM 614291.

Allele frequency attached by ClinVar (database versions not stated): gnomAD exomes 0.00002 and 0.00003; TOPMed 0.00002; ExAC 0.00004; gnomAD 0.00004; ESP Exome Variant Server 0.00015.
gnomAD v4.1: 37 of 1,613,070 alleles (0.0023%); highest among the groups gnomAD compares: South Asian, 0.0055%; no homozygotes.

Submissions (5):

Labcorp Genetics (formerly Invitae), Labcorp
Classification: Likely benign for Breast-ovarian cancer, familial, susceptibility to, 4. Last evaluated: 2026-01-21. Review status: criteria provided, single submitter. Criteria: Invitae Variant Classification Sherloc (09022015). Collection method: clinical testing. Allele origin: germline.

Blueprint Genetics
Classification: Likely benign. Last evaluated: 2024-03-01. Review status: criteria provided, single submitter. Criteria: ACMG Guidelines, 2015. Collection method: clinical testing. Allele origin: germline.

GeneDx
Classification: Likely benign. Last evaluated: 2017-12-19. Review status: criteria provided, single submitter. Criteria: GeneDx Variant Classification (06012015). Collection method: clinical testing. Allele origin: germline. Affected: yes.
Comment: This variant is considered likely benign or benign based on one or more of the following criteria: it is a conservative change, it occurs at a poorly conserved position in the protein, it is predicted to be benign by multiple in silico algorithms, and/or has population frequency not consistent with disease.

PreventionGenetics, part of Exact Sciences
Classification: Likely benign. Last evaluated: 2017-04-03. Review status: criteria provided, single submitter. Criteria: ACMG Guidelines, 2015. Collection method: clinical testing. Allele origin: germline.

Color Diagnostics, LLC DBA Color Health
Classification: Likely benign for Hereditary cancer-predisposing syndrome. Last evaluated: 2016-03-06. Review status: criteria provided, single submitter. Criteria: ACMG Guidelines, 2015. Collection method: clinical testing. Allele origin: germline.